The following is an entry in ClinVar:

ClinVar aggregate classification (germline): Likely benign (1 of 4 stars; one submission).

Allele frequency attached by ClinVar (database versions not stated): TOPMed 0.00016; gnomAD 0.00023.

Submission:

CeGaT Center for Human Genetics Tuebingen
Classification: Likely benign. Last evaluated: 2023-04-01. Review status: criteria provided, single submitter. Criteria: CeGaT Center For Human Genetics Tuebingen Variant Classification Criteria Version 2. Collection method: clinical testing. Allele origin: germline. Affected: yes. Observed: 1 variant allele.
Comment: LUZP4: BS2

NC_000023.11:g.115455133A>G

Gene: LUZP4 (leucine zipper protein 4; plus strand). Cytogenetic location: Xq23.
Variant type: single nucleotide variant.
Genome position: GRCh38 VCF-style: chrX-115455133-A-G. GRCh37 (hg19) VCF-style: chrX-114689894-A-G.
Identifiers: ClinVar variation 2661252 (VCV002661252.24), dbSNP rs1028478276, ClinGen allele CA334687551.